The following is an entry in ClinVar:

NM_002449.5(MSX2):c.722C>T (p.Pro241Leu)

Gene: MSX2 (msh homeobox 2; plus strand). Cytogenetic location: 5q35.2.
Variant type: single nucleotide variant.
Coding change: c.722C>T on transcript NM_002449.5 (MANE Select); coding-DNA position 722, C replaced by T.
Protein change: p.Pro241Leu; replaces proline 241 with leucine.
Molecular consequence: missense variant. On other transcripts: 3 prime UTR variant (1).
Genome position (GRCh38, 1-based): chr5:174,729,501, C>T. VCF-style: chr5-174729501-C-T. GRCh37 (hg19) VCF-style: chr5-174156504-C-T.
Other names: c.*346C>T (NM_001363626.2); short protein forms P241L.
Identifiers: ClinVar variation 2534198 (VCV002534198.5), dbSNP rs368570722, ClinGen allele CA3565251.

ClinVar aggregate classification (germline): Uncertain significance. Review status: criteria provided, multiple submitters, no conflicts (2 of 4 stars). 2 submissions from 2 submitters: Uncertain significance (2). Last evaluated 2025-01-25.

Conditions:
Cranium bifidum occultum. Also called: CATLIN MARKS; CRANIUM BIFIDUM, HEREDITARY; Enlarged Parietal Foramina. Identifiers: MedGen C1868598, HP:0004423.
Inborn genetic diseases. Identifiers: MedGen C0950123, MeSH D030342.

Allele frequency attached by ClinVar (database versions not stated): ExAC 0.00003; gnomAD exomes 0.00003; gnomAD 0.00004; TOPMed 0.00005; ESP Exome Variant Server 0.00008.
gnomAD v4.1: 52 of 1,613,854 alleles (0.0032%); highest among the groups gnomAD compares: East Asian, 0.02%; no homozygotes.

Submissions (2):

Labcorp Genetics (formerly Invitae), Labcorp
Classification: Uncertain significance for Cranium bifidum occultum. Last evaluated: 2025-01-25. Review status: criteria provided, single submitter. Criteria: Invitae Variant Classification Sherloc (09022015). Collection method: clinical testing. Allele origin: germline.
Comment: This sequence change replaces proline, which is neutral and non-polar, with leucine, which is neutral and non-polar, at codon 241 of the MSX2 protein (p.Pro241Leu). This variant is present in population databases (rs368570722, gnomAD 0.008%). This variant has not been reported in the literature in individuals affected with MSX2-related conditions. ClinVar contains an entry for this variant (Variation ID: 2534198). An algorithm developed to predict the effect of missense changes on protein structure and function (PolyPhen-2) suggests that this variant is likely to be tolerated. In summary, the available evidence is currently insufficient to determine the role of this variant in disease. Therefore, it has been classified as a Variant of Uncertain Significance.

Ambry Genetics
Classification: Uncertain significance for Inborn genetic diseases. Last evaluated: 2023-06-02. Review status: criteria provided, single submitter. Criteria: Ambry Variant Classification Scheme 2023. Collection method: clinical testing. Allele origin: germline.